The following is an entry in ClinVar:

NR_003137.3(RNU4-2):n.121T>A

Genes: RNU4-2 (RNA, U4 small nuclear 2; minus strand), SIRT4 (sirtuin 4; plus strand). Cytogenetic location: 12q24.23.
Variant type: single nucleotide variant.
Molecular consequence: non-coding transcript variant (on NR_003137.3).
Genome position: GRCh38 VCF-style: chr12-120291783-A-T. GRCh37 (hg19) VCF-style: chr12-120729586-A-T.
Identifiers: ClinVar variation 4795823 (VCV004795823.1).

ClinVar aggregate classification (germline): Uncertain significance (1 of 4 stars; one submission).

Conditions:
Neurodevelopmental disorder with hypotonia, brain anomalies, distinctive facies, and absent language. Also called: ReNU SYNDROME; RNU4-2-Related Neurodevelopmental Disorder; RNU4-2–Related Autosomal Dominant Neurodevelopmental Disorder. Identifiers: Orphanet 686488, MedGen C5935628, MONDO:0971172, OMIM 620851.

gnomAD v4.1: 1 of 152,182 alleles (0.00066%); highest among the groups gnomAD compares: Non-Finnish European, 0.0015%; no homozygotes.

Submission:

Centre for Population Genomics, CPG
Classification: Uncertain significance for RNU4-2-Related Neurodevelopmental Disorder. Last evaluated: 2026-02-11. Review status: criteria provided, single submitter. Criteria: Ellingford et al. (Genome Med. 2022). Collection method: research. Allele origin: germline. Inheritance: Autosomal recessive inheritance. Affected: yes. Observed: 2 variant alleles, 2 compound heterozygotes.
Comment: PM2_supp,PS3_supp,PM1